The following is an entry in ClinVar:

NM_001369.3(DNAH5):c.1519_1520insAAGATTCCTTATAT (p.Met507fs)

Gene: DNAH5 (dynein axonemal heavy chain 5; minus strand). Cytogenetic location: 5p15.2.
Variant type: Insertion.
Coding change: c.1519_1520insAAGATTCCTTATAT on transcript NM_001369.3 (MANE Select); coding-DNA positions 1519 to 1520, AAGATTCCTTATAT inserted.
Protein change: p.Met507fs; shifts the reading frame from methionine 507.
Molecular consequence: frameshift variant.
Genome position: GRCh38 VCF-style: chr5-13913759-A-AATATAAGGAATCTT. GRCh37 (hg19) VCF-style: chr5-13913868-A-AATATAAGGAATCTT.
Other names: short protein forms M507fs.
Identifiers: ClinVar variation 5010702 (VCV005010702.1).

ClinVar aggregate classification (germline): Pathogenic (1 of 4 stars; one submission).

Conditions:
Primary ciliary dyskinesia 3. Identifiers: Orphanet 244, MedGen C1837618, MONDO:0012085, OMIM 608644.

Submission:

Myriad Genetics, Inc.
Classification: Pathogenic for Primary ciliary dyskinesia 3. Last evaluated: 2024-05-14. Review status: criteria provided, single submitter. Criteria: Myriad Autosomal Dominant, Autosomal Recessive and X-Linked Classification Criteria (2023). Collection method: clinical testing. Allele origin: unknown.
Comment: NM_001369.2(DNAH5):c.1519_1520ins14(M507Kfs*17) is expected to be pathogenic in the context of primary ciliary dyskinesia, DNAH5-related. This variant is predicted to lead to an abnormal or absent protein product due to the creation of a premature termination codon in DNAH5, a gene where loss-of-function variants are known to be pathogenic. Please note: this variant was assessed in the context of healthy population screening.